The following is an entry in ClinVar:

NM_006151.3(LPO):c.936C>T (p.Ser312=)

Gene: LPO (lactoperoxidase; plus strand). Cytogenetic location: 17q22.
Variant type: single nucleotide variant.
Coding change: c.936C>T on transcript NM_006151.3 (MANE Select); coding-DNA position 936, C replaced by T.
Protein change: p.Ser312=; no amino-acid change (serine 312 retained).
Molecular consequence: synonymous variant. On other transcripts: non-coding transcript variant (1).
Genome position (GRCh38, 1-based): chr17:58,252,337, C>T. VCF-style: chr17-58252337-C-T. GRCh37 (hg19) VCF-style: chr17-56329698-C-T.
Other names: c.687C>T, p.Ser229= (NM_001160102.2).
Identifiers: ClinVar variation 4084528 (VCV004084528.8).
Genomic context (GRCh38, chr17:58,252,337, plus strand): 5'-GGCCCGAGAGCAGATCAACGCTCTGACCTCCTTCCTGGATGCCAGCTTTGTGTACAGCTC[C>T]GAGCCAAGCCTGGCCAGCCGCCTCCGCAACCTCAGCAGCCCCCTGGGCCTCATGGCTGTC-3'
Protein context (NP_006142.1, residues 302-322): SFLDASFVYS[Ser312=]EPSLASRLRN

ClinVar aggregate classification (germline): Likely benign (1 of 4 stars; one submission).

gnomAD v4.1: 45 of 1,614,176 alleles (0.0028%); highest among the groups gnomAD compares: Middle Eastern, 0.016%; no homozygotes.

Submission:

CeGaT Center for Human Genetics Tuebingen
Classification: Likely benign. Last evaluated: 2025-07-01. Review status: criteria provided, single submitter. Criteria: CeGaT Center For Human Genetics Tuebingen Variant Classification Criteria Version 2. Collection method: clinical testing. Allele origin: germline. Affected: yes. Observed: 1 variant allele.
Comment: LPO: BP4, BP7